The following is an entry in ClinVar:

ClinVar aggregate classification (germline): Likely pathogenic. Review status: criteria provided, multiple submitters, no conflicts (2 of 4 stars). 2 submissions from 2 submitters: Likely pathogenic (2). Last evaluated 2023-05-02.

Conditions:
Deficiency of 3-hydroxyacyl-CoA dehydrogenase. Also called: HADH DEFICIENCY; 3-hydroxyacyl-CoA dehydrogenase deficiency. Identifiers: Orphanet 309127, Orphanet 71212, MedGen C1291230, MONDO:0017715, OMIM 231530.

Allele frequency attached by ClinVar (database versions not stated): TOPMed below 0.00001.

Submissions (2):

Labcorp Genetics (formerly Invitae), Labcorp
Classification: Likely pathogenic for Deficiency of 3-hydroxyacyl-CoA dehydrogenase. Last evaluated: 2023-05-02. Review status: criteria provided, single submitter. Criteria: Invitae Variant Classification Sherloc (09022015). Collection method: clinical testing. Allele origin: germline.
Comment: This sequence change affects a donor splice site in intron 6 of the HADH gene. It is expected to disrupt RNA splicing. Variants that disrupt the donor or acceptor splice site typically lead to a loss of protein function (PMID: 16199547), and loss-of-function variants in HADH are known to be pathogenic (PMID: 8825408). In summary, the currently available evidence indicates that the variant is pathogenic, but additional data are needed to prove that conclusively. Therefore, this variant has been classified as Likely Pathogenic. Algorithms developed to predict the effect of sequence changes on RNA splicing suggest that this variant may disrupt the consensus splice site. This variant has not been reported in the literature in individuals affected with HADH-related conditions. This variant is not present in population databases (gnomAD no frequency).

Baylor Genetics
Classification: Likely pathogenic for Deficiency of 3-hydroxyacyl-CoA dehydrogenase. Last evaluated: 2023-03-20. Review status: criteria provided, single submitter. Criteria: ACMG Guidelines, 2015. Collection method: clinical testing. Allele origin: unknown.

Literature cited by the submitters: PubMed 16199547 (cited by Labcorp Genetics (formerly Invitae), Labcorp); PubMed 8825408 (cited by Labcorp Genetics (formerly Invitae), Labcorp).

NM_005327.7(HADH):c.709+2T>C

Gene: HADH (hydroxyacyl-CoA dehydrogenase; plus strand). Cytogenetic location: 4q25.
Variant type: single nucleotide variant.
Coding change: c.709+2T>C on transcript NM_005327.7 (MANE Select); the canonical splice donor site of the intron after coding-DNA position 709, T replaced by C.
Molecular consequence: splice donor variant.
Genome position (GRCh38, 1-based): chr4:108,027,762, T>C. VCF-style: chr4-108027762-T-C. GRCh37 (hg19) VCF-style: chr4-108948918-T-C.
Other names: c.709+2T>C (NM_001184705.4); c.721+2T>C (NM_001331027.2).
Identifiers: ClinVar variation 2675960 (VCV002675960.4), dbSNP rs1736114396, ClinGen allele CA357836051.